The following is an entry in ClinVar:

ClinVar aggregate classification (germline): Conflicting classifications of pathogenicity. Review status: criteria provided, conflicting classifications (1 of 4 stars). 5 submissions from 5 submitters: Pathogenic (1); Uncertain significance (3). 1 of the submissions does not count toward it. Last evaluated 2026-03-31.

Conditions:
Bloom syndrome (BLM). Also called: Bloom-Torre-Machacek syndrome. Identifiers: Orphanet 125, MedGen C0005859, MONDO:0008876, OMIM 210900.
Hereditary cancer-predisposing syndrome. Also called: Neoplastic Syndromes, Hereditary; Hereditary Cancer Syndrome; Tumor predisposition; Hereditary neoplastic syndrome. Identifiers: Orphanet 140162, MedGen C0027672, MeSH D009386, MONDO:0015356.

Allele frequency attached by ClinVar (database versions not stated): gnomAD exomes below 0.00001 and 0.00001; ExAC 0.00002; gnomAD 0.00003 and 0.00004; TOPMed 0.00005; ESP Exome Variant Server 0.00008.

Submissions (5):

Myriad Genetics, Inc.
Classification: Uncertain significance for Bloom syndrome. Last evaluated: 2026-03-31. Review status: criteria provided, single submitter. Criteria: Myriad Autosomal Dominant, Autosomal Recessive and X-Linked Classification Criteria (2023). Collection method: clinical testing. Allele origin: unknown.
Comment: NM_000057.3(BLM):c.3210+2dupT is a variant in a canonical splice site classified as a variant of uncertain significance in the context of Bloom syndrome. c.3210+2dupT has not been observed in cases with relevant disease. Relevant functional assessments of this variant are not available in the literature. c.3210+2dupT has been observed in referenced population frequency databases. In summary, there is insufficient evidence to classify NM_000057.3(BLM):c.3210+2dupT as pathogenic or benign. Please note: this variant was assessed in the context of healthy population screening.

Labcorp Genetics (formerly Invitae), Labcorp
Classification: Pathogenic for Bloom syndrome. Last evaluated: 2025-10-20. Review status: criteria provided, single submitter. Criteria: Invitae Variant Classification Sherloc (09022015). Collection method: clinical testing. Allele origin: germline.
Comment: This sequence change falls in intron 16 of the BLM gene. It does not directly change the encoded amino acid sequence of the BLM protein. RNA analysis indicates that this variant induces altered splicing and may result in an absent or altered protein product. This variant is present in population databases (rs755232267, gnomAD 0.02%). This variant has not been reported in the literature in individuals affected with BLM-related conditions. ClinVar contains an entry for this variant (Variation ID: 823211). Variants that disrupt the consensus splice site are a relatively common cause of aberrant splicing (PMID: 17576681, 9536098). Studies have shown that this variant results in activation of a cryptic splice site, and produces a non-functional protein and/or introduces a premature termination codon (internal data). For these reasons, this variant has been classified as Pathogenic.

GeneDx
Classification: Uncertain significance. Last evaluated: 2024-10-04. Review status: criteria provided, single submitter. Criteria: GeneDx Variant Classification Process June 2021. Collection method: clinical testing. Allele origin: germline. Affected: yes.
Comment: In silico analysis supports a deleterious effect on splicing; Has not been previously published as pathogenic or benign to our knowledge

Ambry Genetics
Classification: Uncertain significance for Hereditary cancer-predisposing syndrome. Last evaluated: 2023-07-06. Review status: criteria provided, single submitter. Criteria: Ambry Variant Classification Scheme 2023. Collection method: clinical testing. Allele origin: germline.
Comment: The c.3210+2dupT intronic variant is located 2 nucleotide(s) after coding exon 15 of the BLM gene. This variant results from a duplication of one nucleotide at nucleotide position 3210. This nucleotide position is highly conserved in available vertebrate species. In silico splice site analysis predicts that this alteration will weaken the native splice donor site and may result in the creation or strengthening of a novel splice donor site. Since supporting evidence is limited at this time, the clinical significance of this alteration remains unclear.

Natera, Inc.
Classification: Uncertain significance for Bloom syndrome. Last evaluated: 2021-03-25. Review status: no assertion criteria provided. Collection method: clinical testing. Allele origin: germline. Not counted in ClinVar's aggregate classification.

Literature cited by the submitters: PubMed 17576681 (cited by Labcorp Genetics (formerly Invitae), Labcorp); PubMed 9536098 (cited by Labcorp Genetics (formerly Invitae), Labcorp).

NM_000057.4(BLM):c.3210+2dup

Gene: BLM (BLM RecQ like helicase; plus strand). Cytogenetic location: 15q26.1.
Variant type: Duplication.
Coding change: c.3210+2dup on transcript NM_000057.4 (MANE Select); the canonical splice donor site of the intron after coding-DNA position 3210, one base duplicated (T; older notation c.3210+2dupT).
Molecular consequence: splice donor variant.
Genome position (GRCh38, 1-based): chr15:90,794,359, T duplicated. VCF-style (leftmost placement, unchanged base first): chr15-90794358-G-GT. GRCh37 (hg19) VCF-style: chr15-91337588-G-GT.
Other names: c.3210+2dup (NM_001287246.2, NM_001287247.2); c.2085+2dup (NM_001287248.2).
Identifiers: ClinVar variation 823211 (VCV000823211.13), dbSNP rs755232267, ClinGen allele CA7738951.
Genomic context (GRCh38, chr15:90,794,358, plus strand): 5'-AATCCTGATTTTTGTAAGAAACACCCAGATGTTTCTTGTGATAATTGCTGTAAAACAAAG[G>GT]TAAAAAAAGAAGTTTTAAAATTCTTTATAATTAAATTTTTTTTCTCTTACTTTAAAAATG-3'